The following is an entry in ClinVar:

ClinVar aggregate classification (germline): Likely benign. Review status: criteria provided, single submitter (1 of 4 stars). 2 submissions from 2 submitters: Likely benign (1). 1 of the submissions does not count toward it. Last evaluated 2025-06-12.

Conditions:
DLC1-related disorder. Also called: DLC1-related condition.

Allele frequency attached by ClinVar (database versions not stated): ExAC 0.00005; gnomAD exomes 0.00001; gnomAD 0.00020; TOPMed 0.00028.
gnomAD v4.1: 52 of 1,614,040 alleles (0.0032%); highest among the groups gnomAD compares: African/African-American, 0.063%; no homozygotes.

Submissions (2):

Labcorp Genetics (formerly Invitae), Labcorp
Classification: Likely benign. Last evaluated: 2025-06-12. Review status: criteria provided, single submitter. Criteria: Invitae Variant Classification Sherloc (09022015). Collection method: clinical testing. Allele origin: germline.

PreventionGenetics, part of Exact Sciences
Classification: Likely benign for DLC1-related condition. Last evaluated: 2022-12-18. Review status: no assertion criteria provided. Collection method: clinical testing. Allele origin: germline. Not counted in ClinVar's aggregate classification.
Comment: This variant is classified as likely benign based on ACMG/AMP sequence variant interpretation guidelines (Richards et al. 2015 PMID: 25741868, with internal and published modifications).

NM_182643.3(DLC1):c.486C>T (p.Asn162=)

Gene: DLC1 (DLC1 Rho GTPase activating protein; minus strand). Cytogenetic location: 8p22.
Variant type: single nucleotide variant.
Coding change: c.486C>T on transcript NM_182643.3 (MANE Select); coding-DNA position 486, C replaced by T.
Protein change: p.Asn162=; no amino-acid change (asparagine 162 retained).
Molecular consequence: synonymous variant. On other transcripts: 5 prime UTR variant (1).
Genome position (GRCh38, 1-based): chr8:13,499,586, G>A on the plus strand (C>T on the coding strand, the complement: DLC1 is on the minus strand). VCF-style: chr8-13499586-G-A. GRCh37 (hg19) VCF-style: chr8-13357095-G-A.
Other names: c.486C>T (NM_182643.2); c.486C>T, p.Asn162= (NM_001348081.2, NM_001413124.1, NM_001413125.1 and 1 more transcripts); c.-966C>T (NM_001348082.2).
Identifiers: ClinVar variation 2727295 (VCV002727295.5), dbSNP rs748424907, ClinGen allele CA4639485.
Genomic context (GRCh38, chr8:13,499,586, plus strand): 5'-TTTTCTCTCCCCACTTTCTTTTACCAGTGCTAATTCAGTTTCACCAGCTATTCCCCAGGA[G>A]TTAGAAGAAACTTGGTTACTTTGTATGATGGGCAGTGCCTTTTCTAAGGAGCCTGCTCCT-3'
Protein context (NP_872584.2, residues 152-172): PIIQSNQVSS[Asn162=]SWGIAGETEL